The following is an entry in ClinVar:

ClinVar aggregate classification (germline): Pathogenic (1 of 4 stars; one submission).

Submission:

Labcorp Genetics (formerly Invitae), Labcorp
Classification: Pathogenic. Last evaluated: 2024-04-29. Review status: criteria provided, single submitter. Criteria: Invitae Variant Classification Sherloc (09022015). Collection method: clinical testing. Allele origin: germline.
Comment: This sequence change creates a premature translational stop signal (p.Leu123Valfs*7) in the DGAT1 gene. It is expected to result in an absent or disrupted protein product. Loss-of-function variants in DGAT1 are known to be pathogenic (PMID: 29604290). This variant is not present in population databases (gnomAD no frequency). This premature translational stop signal has been observed in individual(s) with DGAT1-related conditions (PMID: 33256327). For these reasons, this variant has been classified as Pathogenic.

Literature cited by the submitters: PubMed 29604290; PubMed 33256327.

NM_012079.6(DGAT1):c.367_368del (p.Leu123fs)

Gene: DGAT1 (diacylglycerol O-acyltransferase 1; minus strand). Cytogenetic location: 8q24.3.
Variant type: Microsatellite.
Coding change: c.367_368del on transcript NM_012079.6 (MANE Select); coding-DNA positions 367 to 368, 2 bases deleted (CT; older notation c.367_368delCT).
Protein change: p.Leu123fs; shifts the reading frame from leucine 123.
Molecular consequence: frameshift variant.
Genome position (GRCh38, 1-based): chr8:144,318,882-144,318,883, AG deleted on the plus strand (CT on the coding strand, the reverse complement: DGAT1 is on the minus strand); deleting any 2 consecutive bases within chr8:144,318,882-144,318,886 gives the same sequence; the c. name uses the placement nearest the transcript's 3' end. VCF-style (leftmost placement, unchanged base first): chr8-144318881-CAG-C. GRCh37 (hg19) VCF-style: chr8-145542544-CAG-C.
Other names: short protein forms L123fs.
Identifiers: ClinVar variation 3677072 (VCV003677072.2).
Genomic context (GRCh38, chr8:144,318,881, plus strand): 5'-AGAGCCCAGCTCACCAATAACCAGGCATGGGGCGGGCCAGCTATAGGGATCCTTCAGGAA[CAG>C]AGAAACCACCTGGATGGGGTCCACCAGGATGCCATACCTGGGGGTGGAGGGATGGGGGTC-3'